The following is an entry in ClinVar:

ClinVar aggregate classification (germline): Pathogenic (1 of 4 stars; one submission).

Submission:

GeneDx
Classification: Pathogenic. Last evaluated: 2016-09-07. Review status: criteria provided, single submitter. Criteria: GeneDx Variant Classification (06012015). Collection method: clinical testing. Allele origin: germline. Affected: yes.
Comment: The c.388delC variant in the CYBB gene has been reported previously in association with X-linked chronic granulomatous disease (CGD) (Wolach et al., 2008). The deletion causes a frameshift starting with codon Arginine 130, changes this amino acid to a Glutamic acid residue and creates a premature Stop codon at position 10 of the new reading frame, denoted p.Arg130GlufsX10. This variant is predicted to cause loss of normal protein function either through protein truncation or nonsense-mediated mRNA decay. The c.388delC variant was not observed in approximately 6,500 individuals of European and African American ancestry in the NHLBI Exome Sequencing Project, indicating it is not a common benign variant in these populations. Therefore, we consider this variant to be pathogenic.

NM_000397.4(CYBB):c.388del (p.Arg130fs)

Gene: CYBB (cytochrome b-245 beta chain; plus strand). Cytogenetic location: Xp21.1.
Variant type: Deletion.
Coding change: c.388del on transcript NM_000397.4 (MANE Select); coding-DNA position 388, one base deleted (C; older notation c.388delC).
Protein change: p.Arg130fs; shifts the reading frame from arginine 130.
Molecular consequence: frameshift variant.
Genome position (GRCh38, 1-based): chrX:37,793,715, C deleted; the last of 3 consecutive C bases (chrX:37,793,713-37,793,715); deleting any one gives the same sequence. VCF-style (leftmost placement, unchanged base first): chrX-37793712-GC-G. GRCh37 (hg19) VCF-style: chrX-37652965-GC-G.
Other names: c.388delC (NM_000397.3); short protein forms R130fs.
Identifiers: ClinVar variation 279795 (VCV000279795.2), dbSNP rs886041193, ClinGen allele CA10603724.
Genomic context (GRCh38, chrX:37,793,712, plus strand): 5'-CTGCCCTTTTCAGCGATTCACACCATTGCACATCTATTTAATGTGGAATGGTGTGTGAAT[GC>G]CCGAGTCAATAATTCTGATCCTTATTCAGTAGCACTCTCTGAACTTGGAGACAGGCAAAA-3'